The following is an entry in ClinVar:

NM_018062.4(FANCL):c.842T>G (p.Leu281Ter)

Gene: FANCL (FA complementation group L; minus strand). Cytogenetic location: 2p16.1.
Variant type: single nucleotide variant.
Coding change: c.842T>G on transcript NM_018062.4 (MANE Select); coding-DNA position 842, T replaced by G.
Protein change: p.Leu281Ter; replaces leucine 281 with a stop codon.
Molecular consequence: nonsense.
Genome position (GRCh38, 1-based): chr2:58,162,927, A>C on the plus strand (T>G on the coding strand, the complement: FANCL is on the minus strand). VCF-style: chr2-58162927-A-C. GRCh37 (hg19) VCF-style: chr2-58390062-A-C.
Other names: c.857T>G, p.Leu286Ter (NM_001114636.2); c.887T>G, p.Leu296Ter (NM_001374615.1); c.902T>G, p.Leu301Ter (NM_001410792.1); short protein forms L301*, L296*, L281*, L286*.
Identifiers: ClinVar variation 2821813 (VCV002821813.3), dbSNP rs935920468, ClinGen allele CA346935313.

ClinVar aggregate classification (germline): Pathogenic (1 of 4 stars; one submission).

Conditions:
Fanconi anemia (FA). Also called: Fanconi's anemia. Identifiers: Orphanet 84, MedGen C0015625, MeSH D005199, MONDO:0019391.

Submission:

Labcorp Genetics (formerly Invitae), Labcorp
Classification: Pathogenic for Fanconi anemia. Last evaluated: 2024-01-24. Review status: criteria provided, single submitter. Criteria: Invitae Variant Classification Sherloc (09022015). Collection method: clinical testing. Allele origin: germline.
Comment: This sequence change creates a premature translational stop signal (p.Leu281*) in the FANCL gene. It is expected to result in an absent or disrupted protein product. Loss-of-function variants in FANCL are known to be pathogenic (PMID: 19405097, 23613520). This variant is not present in population databases (gnomAD no frequency). This variant has not been reported in the literature in individuals affected with FANCL-related conditions. Algorithms developed to predict the effect of sequence changes on RNA splicing suggest that this variant may disrupt the consensus splice site. For these reasons, this variant has been classified as Pathogenic.

Literature cited by the submitters: PubMed 19405097; PubMed 23613520.